The following is an entry in ClinVar:

ClinVar aggregate classification (germline): Likely benign (0 of 4 stars; one submission).

Conditions:
MEI1-related disorder. Also called: MEI1-related condition.

Allele frequency attached by ClinVar (database versions not stated): ExAC 0.00004; gnomAD exomes 0.00004; TOPMed 0.00004; gnomAD 0.00005; 1000 Genomes Project 30x 0.00016; 1000 Genomes Project 0.00020.
gnomAD v4.1: 66 of 1,613,794 alleles (0.0041%); highest among the groups gnomAD compares: Middle Eastern, 0.049%; no homozygotes.

Submission:

PreventionGenetics, part of Exact Sciences
Classification: Likely benign for MEI1-related condition. Last evaluated: 2019-04-15. Review status: no assertion criteria provided. Collection method: clinical testing. Allele origin: germline.
Comment: This variant is classified as likely benign based on ACMG/AMP sequence variant interpretation guidelines (Richards et al. 2015 PMID: 25741868, with internal and published modifications).

NM_152513.4(MEI1):c.1197-5C>T

Gene: MEI1 (meiotic double-stranded break formation protein 1; plus strand). Cytogenetic location: 22q13.2.
Variant type: single nucleotide variant.
Coding change: c.1197-5C>T on transcript NM_152513.4 (MANE Select); 5 bases into the intron before coding-DNA position 1197, C replaced by T.
Molecular consequence: intron variant.
Genome position (GRCh38, 1-based): chr22:41,732,464, C>T. VCF-style: chr22-41732464-C-T. GRCh37 (hg19) VCF-style: chr22-42128468-C-T.
Identifiers: ClinVar variation 3046961 (VCV003046961.2), dbSNP rs200643171, ClinGen allele CA10260114.